The following is an entry in ClinVar:

ClinVar aggregate classification (germline): Pathogenic/Likely pathogenic. Review status: criteria provided, multiple submitters, no conflicts (2 of 4 stars). 16 submissions from 16 submitters: Pathogenic (12); Likely pathogenic (1). 3 of the submissions do not count toward it. Last evaluated 2026-08-06.

Conditions:
Hereditary angioedema types I and II.
Vascular skin disorders.
F12-related disorder. Also called: F12-related disorders; F12-related condition. Identifiers: MedGen CN239389.
Hereditary angioneurotic edema (HAE). Also called: C1 esterase inhibitor deficiency; Angioedemas, Hereditary; Hereditary Angioedema. Identifiers: Orphanet 91378, MedGen C0019243, MONDO:0019623.
Factor XII deficiency disease. Also called: Congenital factor XII deficiency; F12 DEFICIENCY; HAF DEFICIENCY; Reduced factor XII activity. Identifiers: Orphanet 330, MedGen C0015526, MONDO:0009315, OMIM 234000, HP:0004841.
Hereditary angioedema type 3 (HAE3). Also called: ANGIONEUROTIC EDEMA, HEREDITARY, WITH NORMAL C1 INHIBITOR CONCENTRATION AND FUNCTION; ESTROGEN-RELATED HAE; ESTROGEN-SENSITIVE HAE; HAE WITH NORMAL C1 INHIBITOR CONCENTRATION AND FUNCTION. Identifiers: Orphanet 100054, MedGen C1857728, MONDO:0012526, OMIM 610618.

Allele frequency attached by ClinVar (database versions not stated): gnomAD exomes below 0.00001; ExAC 0.00001; gnomAD 0.00001; TOPMed 0.00001; 1000 Genomes Project 0.00020; 1000 Genomes Project 30x 0.00031.
gnomAD v4.1: 11 of 1,602,076 alleles (0.00069%); highest among the groups gnomAD compares: Admixed American, 0.0017%; no homozygotes.

Submissions (16):

Genetics Laboratory, Great Ormond Street Hospital NHS Foundation Trust, North Thames Genomic Laboratory Hub
Classification: Pathogenic for Vascular skin disorders. Last evaluated: 2026-08-06. Review status: criteria provided, single submitter. Criteria: ACGS Best Practice Guidelines for Variant Classification in Rare Disease 2024 v1.2. Collection method: clinical testing. Allele origin: germline. Affected: yes.
Comment: PM2_moderate, PS3_strong, PP1_strong, PP4_supporting

OLLIN Analises Genomicas, OLLIN
Classification: Likely pathogenic for Hereditary angioedema type 3. Last evaluated: 2026-08-06. Review status: criteria provided, single submitter. Criteria: ACMG Guidelines 2015 PMID 25741868. Collection method: clinical testing. Allele origin: germline. Inheritance: Autosomal dominant inheritance.
Comment: This missense variant, located in exon 9 (of 14), has been reported in ClinVar (accession VCV000001170.5), in gnomAD with an allele frequency of 0.00069%, and in the scientific literature, segregating with the phenotype, in individuals with F12 related disorders (PMID: 16638441, 22920075, 35386662, 38342132, 27130860, 26193639). In silico analysis is inconclusive regarding the impact of this variant; however, functional studies suggest that it may affect protein function (PMID: 27130860, 26193639). According to the currently available evidence, this variant has been classified as likely pathogenic (PS4, PS3_P, PM2_P, PP1).

Labcorp Genetics (formerly Invitae), Labcorp
Classification: Pathogenic. Last evaluated: 2026-01-29. Review status: criteria provided, single submitter. Criteria: Invitae Variant Classification Sherloc (09022015). Collection method: clinical testing. Allele origin: germline.
Comment: This sequence change replaces threonine, which is neutral and polar, with lysine, which is basic and polar, at codon 328 of the F12 protein (p.Thr328Lys). The frequency data for this variant in the population databases is considered unreliable, as metrics indicate poor data quality at this position in the gnomAD database. This missense change has been observed in individuals with autosomal dominant hereditary angioedema (PMID: 16638441, 22920075). It has also been observed to segregate with disease in related individuals. This variant is also known as c.1032C>A (p.T309K). ClinVar contains an entry for this variant (Variation ID: 1169). Invitae Evidence Modeling of protein sequence and biophysical properties (such as structural, functional, and spatial information, amino acid conservation, physicochemical variation, residue mobility, and thermodynamic stability) indicates that this missense variant is expected to disrupt F12 protein function with a positive predictive value of 95%. Experimental studies have shown that this missense change affects F12 function (PMID: 27130860). For these reasons, this variant has been classified as Pathogenic.

GeneDx
Classification: Pathogenic. Last evaluated: 2025-11-04. Review status: criteria provided, single submitter. Criteria: GeneDx Variant Classification Process June 2021. Collection method: clinical testing. Allele origin: germline. Affected: yes.
Comment: Published functional studies demonstrate a damaging effect resulting in loss of glycosylation and increased microvascular leakage upon contact (PMID: 26193639); In silico analysis indicates that this missense variant does not alter protein structure/function; This variant is associated with the following publications: (PMID: 23849223, 22920075, 21631522, 19474702, 25744496, 25790805, 25134986, 25816745, 26392288, 17186468, 27130860, 27788882, 29128335, 30131260, 29885370, 34426522, 36203598, 31589614, 37647632, 38086754, 30591525, 26193639, 16638441, 38342132)

CeGaT Center for Human Genetics Tuebingen
Classification: Pathogenic. Last evaluated: 2025-11-01. Review status: criteria provided, single submitter. Criteria: CeGaT Center For Human Genetics Tuebingen Variant Classification Criteria Version 2. Collection method: clinical testing. Allele origin: germline. Affected: yes. Observed: 1 variant allele.
Comment: F12: PP1:Strong, PS4, PM2, PM5, PS3:Supporting

Dasa
Classification: Pathogenic. Last evaluated: 2025-09-15. Review status: criteria provided, single submitter. Criteria: DASA Assertion Criteria. Collection method: clinical testing. Allele origin: germline.
Comment: NM_000505.4(F12):c.983C>A (p.Thr328Lys) introduces a threonine-to-lysine substitution. Functional studies demonstrate increased bradykinin generation consistent with the disease mechanism (PMIDs: 27130860, 26193639). The variant has been recurrently observed in individuals with hereditary angioedema type 3 (PMIDs: 16638441, 22920075, 17825897). Based on the available data, this variant is classified as pathogenic.

North West Genomic Laboratory Hub, Manchester University NHS Foundation Trust
Classification: Pathogenic for Hereditary angioedema types I and II. Last evaluated: 2025-08-06. Review status: criteria provided, single submitter. Criteria: ACGS Best Practice Guidelines for Variant Classification in Rare Disease 2020. Collection method: clinical testing. Allele origin: germline. Affected: yes.
Comment: PP1_Str PS4_Mod PM2_Mod PP4_Supp PS3_Str

Mayo Clinic Laboratories, Mayo Clinic
Classification: Pathogenic. Last evaluated: 2025-01-14. Review status: criteria provided, single submitter. Criteria: ACMG Guidelines, 2015. Collection method: clinical testing. Allele origin: germline. Observed: 6 variant alleles.
Comment: PP1_strong, PM1, PM5, PS3, PS4_moderate

Revvity Omics, Revvity
Classification: Pathogenic. Last evaluated: 2024-05-30. Review status: criteria provided, single submitter. Criteria: ACMG Guidelines, 2015. Collection method: clinical testing. Allele origin: germline.

Blueprint Genetics
Classification: Pathogenic for F12-related disorders. Last evaluated: 2021-12-02. Review status: criteria provided, single submitter. Criteria: ACMG Guidelines, 2015. Collection method: clinical testing. Allele origin: germline. Affected: yes. Observed: 3 variant alleles.

Fulgent Genetics
Classification: Pathogenic for Factor XII deficiency disease; Hereditary angioedema type 3. Last evaluated: 2018-10-31. Review status: criteria provided, single submitter. Criteria: ACMG Guidelines, 2015. Collection method: clinical testing. Allele origin: unknown.

Laboratory for Molecular Medicine, Mass General Brigham Personalized Medicine
Classification: Pathogenic for Hereditary angioneurotic edema. Last evaluated: 2015-09-17. Review status: criteria provided, single submitter. Criteria: LMM Criteria. Collection method: clinical testing. Allele origin: germline. Inheritance: Autosomal dominant inheritance. Observed: 2 variant alleles.
Comment: The p.Thr328Lys variant in F12 has been reported in at least 18 individuals with hereditary angioedema type 3 (HAE 3), and segregated with disease in >35 affect ed relatives (Dewald 2006, Cichon 2006, Martin 2007, Duan 2009, Picone 2010, Mor eno 2015, Firinu 2015). However, many apparently unaffected family members were also found to carry this variant, which has been partially attributed to both ag e- and sex-dependent penetrance (Dewald 2006, Martin 2007). Of note, the HAE 3 p henotype appears to be estrogen-dependent and males who carry this variant were rarely affected (Dewald 2006, Martin 2007). The p.Thr328Lys variant was also ide ntified in 1/9444 Latino chromosomes by the Exome Aggregation Consortium (ExAC; dbSNP rs118204456). Please note that for disease s with clinical variability or reduced penetrance, pathogenic variants may be pr esent at a low frequency in the general population. In summary, this variant mee ts our criteria to be classified as pathogenic for HAE 3 in an autosomal dominan t manner based upon segregation studies and low frequency in controls.

CeMIA
Classification: Pathogenic for Hereditary angioedema type 3. Review status: criteria provided, single submitter. Criteria: ACMG Guidelines, 2015. Collection method: clinical testing. Allele origin: germline. Affected: yes. Observed: 3 variant alleles.
Comment: The c.983C>A (p.Thr328Lys) variant, located in exon 7 of the F12 gene, has been previously reported in the literature in association with FXII-HAE (Dewald 2006, Cichon 2006, Martin 2007, Duan 2009, Picone 2010, Mor eno 2015, Firinu 2015). It was detected by our laboratory in three patients with HAE-nC1-INH, belonging to two unrelated Spanish families. These patients demonstrate features indicative of FXII-HAE in that attacks were appeared either during gestational periods or after the administration of estrogens. Bioinformatic analysis by SIFT and PolyPhen2 algorithms predicted this mutation as tolerated and possibly damaging, respectively. It has been detected in 0.0004271% alleles worldwide (gnomAD database). The variant is reported as pathogenic in ClinVar database in patients with FXII-HAE. Taking all the above into account and according to ACMG Guidelines (Criteria:PS3, PS4, PM1, PM5, PP1) the variant is considered pathogenic.

OMIM
Classification: Pathogenic for ANGIOEDEMA, HEREDITARY, TYPE III. Last evaluated: 2009-04-01. Review status: no assertion criteria provided. Collection method: literature only. Allele origin: germline. Not counted in ClinVar's aggregate classification.

Diagnostic Laboratory, Department of Genetics, University Medical Center Groningen
Classification: Pathogenic. Review status: no assertion criteria provided. Collection method: clinical testing. Allele origin: germline. Affected: yes. Study: VKGL Data-share Consensus. Not counted in ClinVar's aggregate classification.

Joint Genome Diagnostic Labs from Nijmegen and Maastricht, Radboudumc and MUMC+
Classification: Pathogenic. Review status: no assertion criteria provided. Collection method: clinical testing. Allele origin: germline. Affected: yes. Study: VKGL Data-share Consensus. Not counted in ClinVar's aggregate classification.

Literature cited by the submitters: PubMed 16638441 (cited by 6 submitters); PubMed 22920075 (cited by OLLIN Analises Genomicas, OLLIN and Labcorp Genetics (formerly Invitae), Labcorp); PubMed 35386662 (cited by OLLIN Analises Genomicas, OLLIN); PubMed 38342132 (cited by OLLIN Analises Genomicas, OLLIN); PubMed 27130860 (cited by OLLIN Analises Genomicas, OLLIN and Labcorp Genetics (formerly Invitae), Labcorp); PubMed 26193639 (cited by OLLIN Analises Genomicas, OLLIN); PubMed 17186468 (cited by 3 submitters); PubMed 21520333 (cited by Mayo Clinic Laboratories, Mayo Clinic); PubMed 30591525 (cited by Mayo Clinic Laboratories, Mayo Clinic); PubMed 36203598 (cited by Mayo Clinic Laboratories, Mayo Clinic); PubMed 36787826 (cited by Mayo Clinic Laboratories, Mayo Clinic); PubMed 38086754 (cited by Mayo Clinic Laboratories, Mayo Clinic); PubMed 19178938 (cited by Laboratory for Molecular Medicine, Mass General Brigham Personalized Medicine and OMIM); PubMed 17825897 (cited by Laboratory for Molecular Medicine, Mass General Brigham Personalized Medicine); PubMed 20490261 (cited by Laboratory for Molecular Medicine, Mass General Brigham Personalized Medicine); PubMed 19474702 (cited by Laboratory for Molecular Medicine, Mass General Brigham Personalized Medicine); PubMed 25790805 (cited by Laboratory for Molecular Medicine, Mass General Brigham Personalized Medicine); PubMed 25744496 (cited by Laboratory for Molecular Medicine, Mass General Brigham Personalized Medicine); PubMed 10984376 (cited by OMIM).

NM_000505.4(F12):c.983C>A (p.Thr328Lys)

Gene: F12 (coagulation factor XII; minus strand). Cytogenetic location: 5q35.3.
Variant type: single nucleotide variant.
Coding change: c.983C>A on transcript NM_000505.4 (MANE Select); coding-DNA position 983, C replaced by A.
Protein change: p.Thr328Lys; replaces threonine 328 with lysine.
Molecular consequence: missense variant.
Genome position (GRCh38, 1-based): chr5:177,404,231, G>T on the plus strand (C>A on the coding strand, the complement: F12 is on the minus strand). VCF-style: chr5-177404231-G-T. GRCh37 (hg19) VCF-style: chr5-176831232-G-T.
Other names: F12, THR309LYS; Thr328Lys; short protein forms T328K.
Identifiers: ClinVar variation 1169 (VCV000001169.39), dbSNP rs118204456, ClinGen allele CA114817.
Genomic context (GRCh38, chr5:177,404,231, plus strand): 5'-CTCCTTCCCCCCCCCACTTCCTAACCTCCCGGGGTCTGGGACTGAGGCGGGGTCCGGGTC[G>T]TGGGCTGAGGCTTCGGCGGTGCCGGCTGCGCGGGCATGAGTGGGACATGAAGCCTAGGGG-3'
Protein context (NP_000496.2, residues 318-338): AQPAPPKPQP[Thr328Lys]TRTPPQSQTP